The following is an entry in ClinVar:

ClinVar aggregate classification (germline): Uncertain significance (1 of 4 stars; one submission).

Submission:

Labcorp Genetics (formerly Invitae), Labcorp
Classification: Uncertain significance. Last evaluated: 2024-09-29. Review status: criteria provided, single submitter. Criteria: Invitae Variant Classification Sherloc (09022015). Collection method: clinical testing. Allele origin: germline.
Comment: This sequence change replaces isoleucine, which is neutral and non-polar, with valine, which is neutral and non-polar, at codon 252 of the MAP3K7 protein (p.Ile252Val). This variant is not present in population databases (gnomAD no frequency). This variant has not been reported in the literature in individuals affected with MAP3K7-related conditions. An algorithm developed to predict the effect of missense changes on protein structure and function (PolyPhen-2) suggests that this variant is likely to be tolerated. In summary, the available evidence is currently insufficient to determine the role of this variant in disease. Therefore, it has been classified as a Variant of Uncertain Significance.

NM_145331.3(MAP3K7):c.754A>G (p.Ile252Val)

Gene: MAP3K7 (mitogen-activated protein kinase kinase kinase 7; minus strand). Cytogenetic location: 6q15.
Variant type: single nucleotide variant.
Coding change: c.754A>G on transcript NM_145331.3 (MANE Select); coding-DNA position 754, A replaced by G.
Protein change: p.Ile252Val; replaces isoleucine 252 with valine.
Molecular consequence: missense variant.
Genome position (GRCh38, 1-based): chr6:90,552,162, T>C on the plus strand (A>G on the coding strand, the complement: MAP3K7 is on the minus strand). VCF-style: chr6-90552162-T-C. GRCh37 (hg19) VCF-style: chr6-91261881-T-C.
Other names: c.754A>G, p.Ile252Val (NM_003188.4, NM_145332.3, NM_145333.3); short protein forms I252V.
Identifiers: ClinVar variation 3721839 (VCV003721839.2).